The following is an entry in ClinVar:

ClinVar aggregate classification (germline): Uncertain significance. Review status: criteria provided, multiple submitters, no conflicts (2 of 4 stars). 4 submissions from 4 submitters: Uncertain significance (4). Last evaluated 2025-03-09.

Conditions:
Cardiovascular phenotype. Identifiers: MedGen CN230736.
DK1-congenital disorder of glycosylation. Also called: DK1-CDG; CDG Im; DK1 DEFICIENCY; DOLICHOL KINASE DEFICIENCY; CONGENITAL DISORDER OF GLYCOSYLATION, TYPE Im; DOLK-congenital disorder of glycosylation. Identifiers: Orphanet 91131, MedGen C1835849, MONDO:0012556, OMIM 610768.

Allele frequency attached by ClinVar (database versions not stated): gnomAD 0.00002; TOPMed 0.00002; ExAC 0.00003; ESP Exome Variant Server 0.00008.

Submissions (4):

Ambry Genetics
Classification: Uncertain significance for Cardiovascular phenotype. Last evaluated: 2025-03-09. Review status: criteria provided, single submitter. Criteria: Ambry Variant Classification Scheme 2023. Collection method: clinical testing. Allele origin: germline.
Comment: The p.V197I variant (also known as c.589G>A), located in coding exon 1 of the DOLK gene, results from a G to A substitution at nucleotide position 589. The valine at codon 197 is replaced by isoleucine, an amino acid with highly similar properties. This amino acid position is not well conserved in available vertebrate species, and isoleucine is the reference amino acid in other vertebrate species. In addition, this alteration is predicted to be tolerated by in silico analysis. Since supporting evidence is limited at this time, the clinical significance of this alteration remains unclear.

Labcorp Genetics (formerly Invitae), Labcorp
Classification: Uncertain significance for DK1-congenital disorder of glycosylation. Last evaluated: 2023-12-22. Review status: criteria provided, single submitter. Criteria: Invitae Variant Classification Sherloc (09022015). Collection method: clinical testing. Allele origin: germline.
Comment: This sequence change replaces valine, which is neutral and non-polar, with isoleucine, which is neutral and non-polar, at codon 197 of the DOLK protein (p.Val197Ile). This variant is present in population databases (rs373587710, gnomAD 0.02%). This variant has not been reported in the literature in individuals affected with DOLK-related conditions. ClinVar contains an entry for this variant (Variation ID: 1058442). Advanced modeling of protein sequence and biophysical properties (such as structural, functional, and spatial information, amino acid conservation, physicochemical variation, residue mobility, and thermodynamic stability) performed at Invitae indicates that this missense variant is not expected to disrupt DOLK protein function with a negative predictive value of 80%. In summary, the available evidence is currently insufficient to determine the role of this variant in disease. Therefore, it has been classified as a Variant of Uncertain Significance.

Fulgent Genetics
Classification: Uncertain significance for DK1-congenital disorder of glycosylation. Last evaluated: 2021-11-17. Review status: criteria provided, single submitter. Criteria: ACMG Guidelines, 2015. Collection method: clinical testing. Allele origin: unknown.

Breakthrough Genomics
Classification: Uncertain significance. Review status: criteria provided, single submitter. Criteria: ACMG Guidelines, 2015. Collection method: not provided. Allele origin: germline. Inheritance: Autosomal recessive inheritance. Affected: yes.

NM_014908.4(DOLK):c.589G>A (p.Val197Ile)

Gene: DOLK (dolichol kinase; minus strand). Cytogenetic location: 9q34.11.
Variant type: single nucleotide variant.
Coding change: c.589G>A on transcript NM_014908.4 (MANE Select); coding-DNA position 589, G replaced by A.
Protein change: p.Val197Ile; replaces valine 197 with isoleucine.
Molecular consequence: missense variant.
Genome position (GRCh38, 1-based): chr9:128,946,715, C>T on the plus strand (G>A on the coding strand, the complement: DOLK is on the minus strand). VCF-style: chr9-128946715-C-T. GRCh37 (hg19) VCF-style: chr9-131708994-C-T.
Other names: short protein forms V197I.
Identifiers: ClinVar variation 1058442 (VCV001058442.12), dbSNP rs373587710, ClinGen allele CA5271714.
Genomic context (GRCh38, chr9:128,946,715, plus strand): 5'-CCACCAGTGTCAGAGAGCGCTTGATGAGCTGGTTGAGGACAAAGCTAATGCCACCCAATA[C>T]CAGCAGTGCCTCACCAGGGGTGAAGCAGCGGGGCAGCAGGTACAGCAGGATCATGTTGAG-3'
Protein context (NP_055723.1, residues 187-207): RCFTPGEALL[Val197Ile]LGGISFVLNQ